The following is an entry in ClinVar:

ClinVar aggregate classification (germline): Uncertain significance. Review status: criteria provided, multiple submitters, no conflicts (2 of 4 stars). 3 submissions from 3 submitters: Uncertain significance (3). Last evaluated 2025-07-03.

Conditions:
Inborn genetic diseases. Identifiers: MedGen C0950123, MeSH D030342.
Bronchiectasis with or without elevated sweat chloride 3 (BESC3). Identifiers: Orphanet 60033, MedGen C2751324, MONDO:0013112, OMIM 613071.
Liddle syndrome 2. Identifiers: MedGen C4748251, MONDO:0020854, OMIM 618114.
Pseudohypoaldosteronism, type IB3, autosomal recessive (PHA1B3). Identifiers: MedGen C5774256, MONDO:0859318, OMIM 620126.

Allele frequency attached by ClinVar (database versions not stated): TOPMed 0.00005; gnomAD 0.00009.
gnomAD v4.1: 183 of 1,613,436 alleles (0.011%); highest among the groups gnomAD compares: Non-Finnish European, 0.015%; no homozygotes.

Submissions (3):

Ambry Genetics
Classification: Uncertain significance for Inborn genetic diseases. Last evaluated: 2025-07-03. Review status: criteria provided, single submitter. Criteria: Ambry Variant Classification Scheme 2023. Collection method: clinical testing. Allele origin: germline.

GeneDx
Classification: Uncertain significance. Last evaluated: 2025-05-20. Review status: criteria provided, single submitter. Criteria: GeneDx Variant Classification Process June 2021. Collection method: clinical testing. Allele origin: germline. Affected: yes.
Comment: In silico analysis suggests that this missense variant does not alter protein structure/function; Has not been previously published as pathogenic or benign to our knowledge

Fulgent Genetics
Classification: Uncertain significance for Bronchiectasis with or without elevated sweat chloride 3; Liddle syndrome 2; Pseudohypoaldosteronism, type IB3, autosomal recessive. Last evaluated: 2024-04-01. Review status: criteria provided, single submitter. Criteria: ACMG Guidelines, 2015. Collection method: clinical testing. Allele origin: germline.

NM_001039.4(SCNN1G):c.1465G>C (p.Gly489Arg)

Gene: SCNN1G (sodium channel epithelial 1 subunit gamma; plus strand). Cytogenetic location: 16p12.2.
Variant type: single nucleotide variant.
Coding change: c.1465G>C on transcript NM_001039.4 (MANE Select); coding-DNA position 1465, G replaced by C.
Protein change: p.Gly489Arg; replaces glycine 489 with arginine.
Molecular consequence: missense variant.
Genome position (GRCh38, 1-based): chr16:23,213,135, G>C. VCF-style: chr16-23213135-G-C. GRCh37 (hg19) VCF-style: chr16-23224456-G-C.
Other names: short protein forms G489R.
Identifiers: ClinVar variation 2514019 (VCV002514019.5), dbSNP rs72647529, ClinGen allele CA7959880.
Genomic context (GRCh38, chr16:23,213,135, plus strand): 5'-GGCCCACGCTTTCTCTCTCCGTTGTAGAAGTGGTTGCTGCCTGTTCTCACTTGGGACCAA[G>C]GCCGGCAAGTAAACAAAAAGCTCAACAAGTAAGTTACCTCTACCCTGTTCCTCTGTCTCT-3'
Protein context (NP_001030.2, residues 479-499): WLLPVLTWDQ[Gly489Arg]RQVNKKLNKT